The following is an entry in ClinVar:

ClinVar aggregate classification (germline): Pathogenic (1 of 4 stars; one submission).

Submission:

Labcorp Genetics (formerly Invitae), Labcorp
Classification: Pathogenic. Last evaluated: 2023-05-13. Review status: criteria provided, single submitter. Criteria: Invitae Variant Classification Sherloc (09022015). Collection method: clinical testing. Allele origin: germline.
Comment: For these reasons, this variant has been classified as Pathogenic. This variant has not been reported in the literature in individuals affected with ADAMTSL4-related conditions. This variant is present in population databases (no rsID available, gnomAD 0.007%). This sequence change creates a premature translational stop signal (p.Arg90Aspfs*43) in the ADAMTSL4 gene. It is expected to result in an absent or disrupted protein product. Loss-of-function variants in ADAMTSL4 are known to be pathogenic (PMID: 20564469, 28642162).

Literature cited by the submitters: PubMed 20564469; PubMed 28642162.

NM_019032.6(ADAMTSL4):c.268del (p.Arg90fs)

Genes: ADAMTSL4 (ADAMTS like 4; plus strand), ADAMTSL4-AS2 (ADAMTSL4 antisense RNA 2; minus strand). Cytogenetic location: 1q21.2.
Variant type: Deletion.
Coding change: c.268del on transcript NM_019032.6 (MANE Select); coding-DNA position 268, one base deleted (A; older notation c.268delA).
Protein change: p.Arg90fs; shifts the reading frame from arginine 90.
Molecular consequence: frameshift variant.
Genome position (GRCh38, 1-based): chr1:150,553,087, A deleted; the last of 2 consecutive A bases (chr1:150,553,086-150,553,087); deleting either gives the same sequence. VCF-style (leftmost placement, unchanged base first): chr1-150553085-CA-C. GRCh37 (hg19) VCF-style: chr1-150525561-CA-C.
Other names: c.268del, p.Arg90fs (NM_025008.5, NM_001288607.2, NM_001288608.2 and 1 more transcripts); short protein forms R90fs.
Identifiers: ClinVar variation 2877726 (VCV002877726.3), dbSNP rs1457292802, ClinGen allele CA526261011.